The following is an entry in ClinVar:

NM_005547.4(IVL):c.587C>T (p.Pro196Leu)

Gene: IVL (involucrin; plus strand). Cytogenetic location: 1q21.3.
Variant type: single nucleotide variant.
Coding change: c.587C>T on transcript NM_005547.4 (MANE Select); coding-DNA position 587, C replaced by T.
Protein change: p.Pro196Leu; replaces proline 196 with leucine.
Molecular consequence: missense variant.
Genome position (GRCh38, 1-based): chr1:152,910,384, C>T. VCF-style: chr1-152910384-C-T. GRCh37 (hg19) VCF-style: chr1-152882860-C-T.
Other names: short protein forms P196L.
Identifiers: ClinVar variation 2237203 (VCV002237203.24), dbSNP rs200916786, ClinGen allele CA1112692.

ClinVar aggregate classification (germline): Likely benign. Review status: criteria provided, multiple submitters, no conflicts (2 of 4 stars). 2 submissions from 2 submitters: Likely benign (2). Last evaluated 2024-01-01.

Allele frequency attached by ClinVar (database versions not stated): gnomAD exomes 0.00045; gnomAD 0.00063; 1000 Genomes Project 30x 0.00078; ExAC 0.00101.

Submissions (2):

CeGaT Center for Human Genetics Tuebingen
Classification: Likely benign. Last evaluated: 2024-01-01. Review status: criteria provided, single submitter. Criteria: CeGaT Center For Human Genetics Tuebingen Variant Classification Criteria Version 2. Collection method: clinical testing. Allele origin: germline. Affected: yes. Observed: 1 variant allele.
Comment: IVL: BP4, BS2

Ambry Genetics
Classification: Likely benign. Last evaluated: 2022-04-07. Review status: criteria provided, single submitter. Criteria: Ambry Variant Classification Scheme 2023. Collection method: clinical testing. Allele origin: germline.